The following is an entry in ClinVar:

ClinVar aggregate classification (germline): Pathogenic (1 of 4 stars; one submission).

Submission:

Labcorp Genetics (formerly Invitae), Labcorp
Classification: Pathogenic. Last evaluated: 2025-07-17. Review status: criteria provided, single submitter. Criteria: Invitae Variant Classification Sherloc (09022015). Collection method: clinical testing. Allele origin: germline.
Comment: This variant results in the deletion of part of exon 2 (c.241_267+5del) of the FH gene. RNA analysis indicates that this variant induces altered splicing and likely results in a shortened protein product. This variant is not present in population databases (gnomAD no frequency). This variant has not been reported in the literature in individuals affected with FH-related conditions. ClinVar contains an entry for this variant (Variation ID: 3653283). Studies have shown that this variant results in skipping of exon 2, but is expected to preserve the integrity of the reading-frame (internal data). This variant disrupts a region of the FH protein in which other variant(s) (p.Met88Lys) have been determined to be pathogenic (internal data). This suggests that this is a clinically significant region of the protein, and that variants that disrupt it are likely to be disease-causing. For these reasons, this variant has been classified as Pathogenic.

NM_000143.4(FH):c.241_267+5del

Gene: FH (fumarate hydratase; minus strand). Cytogenetic location: 1q43.
Variant type: Deletion.
Coding change: c.241_267+5del on transcript NM_000143.4 (MANE Select); coding-DNA position 241 through 5 bases into the intron after coding-DNA position 267, 32 bases deleted.
Molecular consequence: splice donor variant.
Genome position (GRCh38, 1-based): chr1:241,517,177-241,517,208, 32 bases deleted; deleting any 32 consecutive bases within chr1:241,517,177-241,517,212 gives the same sequence; the c. name uses the placement nearest the transcript's 3' end. GRCh37 (hg19): chr1:241,680,481-241,680,512.
Identifiers: ClinVar variation 3653283 (VCV003653283.2).